The following is an entry in ClinVar:

ClinVar aggregate classification (germline): Likely benign. Review status: criteria provided, multiple submitters, no conflicts (2 of 4 stars). 2 submissions from 2 submitters: Likely benign (2). Last evaluated 2025-01-01.

Conditions:
Dilated cardiomyopathy 1G (CMD1G). Identifiers: Orphanet 154, MedGen C1858763, MONDO:0011400, OMIM 604145.
Autosomal recessive limb-girdle muscular dystrophy type 2J (LGMDR10). Also called: MUSCULAR DYSTROPHY, LIMB-GIRDLE, AUTOSOMAL RECESSIVE 10; Limb-girdle muscular dystrophy, type 2J. Identifiers: Orphanet 140922, MedGen C1837342, MONDO:0012127, OMIM 608807.

Allele frequency attached by ClinVar (database versions not stated): gnomAD 0.00001; gnomAD exomes 0.00003 and 0.00004.

Submissions (2):

CeGaT Center for Human Genetics Tuebingen
Classification: Likely benign. Last evaluated: 2025-01-01. Review status: criteria provided, single submitter. Criteria: CeGaT Center For Human Genetics Tuebingen Variant Classification Criteria Version 2. Collection method: clinical testing. Allele origin: germline. Affected: yes. Observed: 6 variant alleles.
Comment: TTN: BP4, BP7

Labcorp Genetics (formerly Invitae), Labcorp
Classification: Likely benign for Dilated cardiomyopathy 1G; Autosomal recessive limb-girdle muscular dystrophy type 2J. Last evaluated: 2023-02-22. Review status: criteria provided, single submitter. Criteria: Invitae Variant Classification Sherloc (09022015). Collection method: clinical testing. Allele origin: germline.

NM_001267550.2(TTN):c.38283T>C (p.Ala12761=)

Gene: TTN (titin; minus strand). Cytogenetic location: 2q31.2.
Variant type: single nucleotide variant.
Coding change: c.38283T>C on transcript NM_001267550.2 (MANE Select); coding-DNA position 38283, T replaced by C.
Protein change: p.Ala12761=; no amino-acid change (alanine 12761 retained).
Molecular consequence: synonymous variant. On other transcripts: intron variant (5).
Genome position (GRCh38, 1-based): chr2:178,654,458, A>G on the plus strand (T>C on the coding strand, the complement: TTN is on the minus strand). VCF-style: chr2-178654458-A-G. GRCh37 (hg19) VCF-style: chr2-179519185-A-G.
Other names: c.13283-12141T>C (NM_003319.4); c.13859-12141T>C (NM_133437.4); c.13658-12141T>C (NM_133432.3); c.31742-1917T>C (NM_133378.4); c.34523-1917T>C (NM_001256850.1).
Identifiers: ClinVar variation 1141930 (VCV001141930.35), dbSNP rs1476437470, ClinGen allele CA430110968.